The following is an entry in ClinVar:

ClinVar aggregate classification (germline): Likely pathogenic (1 of 4 stars; one submission).

Conditions:
Miyoshi muscular dystrophy 1 (MMD1). Identifiers: Orphanet 45448, MedGen C4551973, MONDO:0024545, OMIM 254130.

Submission:

3billion
Classification: Likely pathogenic for Miyoshi muscular dystrophy 1. Last evaluated: 2022-01-03. Review status: criteria provided, single submitter. Criteria: ACMG Guidelines, 2015. Collection method: clinical testing. Allele origin: germline. Affected: yes. Observed: 1 homozygote.
Comment: Frameshift: predicted to result in a loss or disruption of normal protein function through nonsense-mediated decay (NMD) or protein truncation. Multiple pathogenic variants are reported downstream of the variant (PVS1_VS). It is not observed in the gnomAD v2.1.1 dataset (PM2_M). Therefore, this variant is classified as likely pathogenic according to the recommendation of ACMG/AMP guideline.

NM_001130987.2(DYSF):c.1625del (p.Asn542fs)

Gene: DYSF (dysferlin; plus strand). Cytogenetic location: 2p13.2.
Variant type: Deletion.
Coding change: c.1625del on transcript NM_001130987.2 (MANE Select); coding-DNA position 1625, one base deleted (A; older notation c.1625delA).
Protein change: p.Asn542fs; shifts the reading frame from asparagine 542.
Molecular consequence: frameshift variant.
Genome position (GRCh38, 1-based): chr2:71,551,089, A deleted; the last of 2 consecutive A bases (chr2:71,551,088-71,551,089); deleting either gives the same sequence. VCF-style (leftmost placement, unchanged base first): chr2-71551087-CA-C. GRCh37 (hg19) VCF-style: chr2-71778217-CA-C.
Other names: c.1574del, p.Asn525fs (NM_001130455.2, NM_001130983.2); c.1529del, p.Asn510fs (NM_001130976.2, NM_001130977.2); c.1571del, p.Asn524fs (NM_001130978.2, NM_003494.4); c.1664del, p.Asn555fs (NM_001130979.2); c.1622del, p.Asn541fs (NM_001130980.2, NM_001130981.2); c.1667del, p.Asn556fs (NM_001130982.2); c.1532del, p.Asn511fs (NM_001130984.2, NM_001130986.2); c.1625del, p.Asn542fs (NM_001130985.2); short protein forms N510fs, N511fs, N524fs, N525fs, N541fs, N542fs, N555fs, N556fs.
Identifiers: ClinVar variation 1333623 (VCV001333623.1), dbSNP rs2152786967, ClinGen allele CA2573052006.
Genomic context (GRCh38, chr2:71,551,087, plus strand): 5'-CTTGTGTCTCCCAGTGGATGACTACCTGGGCTTCCTCCCCACTTTTGGGCCCTGCTACAT[CA>C]ACCTCTATGGCAGTCCCAGAGAGTTCACAGGCTTCCCAGACCCCTACACAGAGCTCAACA-3'